The following is an entry in ClinVar:

NM_001039396.2(MPEG1):c.1180G>A (p.Val394Ile)

Gene: MPEG1 (macrophage expressed 1; minus strand). Cytogenetic location: 11q12.1.
Variant type: single nucleotide variant.
Coding change: c.1180G>A on transcript NM_001039396.2 (MANE Select); coding-DNA position 1180, G replaced by A.
Protein change: p.Val394Ile; replaces valine 394 with isoleucine.
Molecular consequence: missense variant.
Genome position (GRCh38, 1-based): chr11:59,211,686, C>T on the plus strand (G>A on the coding strand, the complement: MPEG1 is on the minus strand). VCF-style: chr11-59211686-C-T. GRCh37 (hg19) VCF-style: chr11-58979159-C-T.
Other names: short protein forms V394I.
Identifiers: ClinVar variation 4852263 (VCV004852263.1).

ClinVar aggregate classification (germline): Likely benign (1 of 4 stars; one submission).

Conditions:
Immunodeficiency 77. Identifiers: MedGen C5543173, MONDO:0030973, OMIM 619223.

Submission:

Centre for Medical Genetics,  Mumbai
Classification: Likely benign for Immunodeficiency 77. Last evaluated: 2026-04-27. Review status: criteria provided, single submitter. Criteria: ACMG Guidelines, 2015. Collection method: provider interpretation. Allele origin: germline. Inheritance: Autosomal dominant inheritance. Affected: no. Observed: 1 variant allele, 1 heterozygote.
Comment: The variant satisfies PM2 criteria - extremely low frequency in gnomAD population databases. The variant satisfies BP4 criteria - for a missense or a splice region variant, computational prediction tools unanimously support a benign effect on the gene. However, the variant satisfies BS2 criteria - present in heterozygous state in an individual that clinically does not have immunodeficiency.

Literature cited by the submitters: PubMed 28422754.